The following is an entry in ClinVar:

NM_001366385.1(CARD14):c.2822G>A (p.Arg941Gln)

Genes: CARD14 (caspase recruitment domain family member 14; plus strand), SGSH (N-sulfoglucosamine sulfohydrolase; minus strand). Cytogenetic location: 17q25.3.
Variant type: single nucleotide variant.
Coding change: c.2822G>A on transcript NM_001366385.1 (MANE Select); coding-DNA position 2822, G replaced by A.
Protein change: p.Arg941Gln; replaces arginine 941 with glutamine.
Molecular consequence: missense variant. On other transcripts: non-coding transcript variant (1).
Genome position (GRCh38, 1-based): chr17:80,208,152, G>A. VCF-style: chr17-80208152-G-A. GRCh37 (hg19) VCF-style: chr17-78181951-G-A.
Other names: c.2822G>A, p.Arg941Gln (NM_024110.4); short protein forms R941Q.
Identifiers: ClinVar variation 458099 (VCV000458099.42), dbSNP rs74000616, ClinGen allele CA8817491.

ClinVar aggregate classification (germline): Benign/Likely benign. Review status: criteria provided, multiple submitters, no conflicts (2 of 4 stars). 6 submissions from 6 submitters: Benign (3); Likely benign (3). Last evaluated 2026-01-25.

Conditions:
Pityriasis rubra pilaris (PRP). Also called: Pityriasis rubra pilaris--familial type. Identifiers: Orphanet 2897, MedGen C0032027, MONDO:0100017, OMIM 173200, MONDO:0008251.
Psoriasis 2. Identifiers: MedGen C1864497, MONDO:0011269, OMIM 602723.
Autoinflammatory syndrome. Identifiers: Orphanet 93665, MedGen C3890737, MONDO:0019751.

Allele frequency attached by ClinVar (database versions not stated): gnomAD exomes 0.00042 and 0.00103; ExAC 0.00240; ESP Exome Variant Server 0.00370; gnomAD 0.00392 and 0.00421; 1000 Genomes Project 0.00399; TOPMed 0.00425; 1000 Genomes Project 30x 0.00437.
gnomAD v4.1: 1,195 of 1,543,884 alleles (0.077%); highest among the groups gnomAD compares: African/African-American, 1.4%; 9 homozygotes.

Submissions (6):

Labcorp Genetics (formerly Invitae), Labcorp
Classification: Benign for Pityriasis rubra pilaris; Psoriasis 2. Last evaluated: 2026-01-25. Review status: criteria provided, single submitter. Criteria: Invitae Variant Classification Sherloc (09022015). Collection method: clinical testing. Allele origin: germline.

Women's Health and Genetics/Laboratory Corporation of America, LabCorp
Classification: Likely benign. Last evaluated: 2026-01-22. Review status: criteria provided, single submitter. Criteria: LabCorp Variant Classification Summary - May 2015. Collection method: clinical testing. Allele origin: germline.

Blueprint Genetics
Classification: Likely benign. Last evaluated: 2024-11-26. Review status: criteria provided, single submitter. Criteria: ACMG Guidelines, 2015. Collection method: clinical testing. Allele origin: germline.

CeGaT Center for Human Genetics Tuebingen
Classification: Benign. Last evaluated: 2022-08-01. Review status: criteria provided, single submitter. Criteria: CeGaT Center For Human Genetics Tuebingen Variant Classification Criteria Version 2. Collection method: clinical testing. Allele origin: germline. Affected: yes. Observed: 1 variant allele.
Comment: CARD14: BS1, BS2

Genome Diagnostics Laboratory, The Hospital for Sick Children
Classification: Likely benign for Autoinflammatory syndrome. Last evaluated: 2022-03-25. Review status: criteria provided, single submitter. Criteria: ACMG Guidelines, 2015. Collection method: clinical testing. Allele origin: germline. Affected: yes.

Breakthrough Genomics
Classification: Benign. Review status: criteria provided, single submitter. Criteria: ACMG Guidelines, 2015. Collection method: not provided. Allele origin: germline. Inheritance: Autosomal dominant inheritance. Affected: yes.